The following is an entry in ClinVar:

NM_001378418.1(TCF20):c.4294A>G (p.Arg1432Gly)

Gene: TCF20 (transcription factor 20; minus strand). Cytogenetic location: 22q13.2.
Variant type: single nucleotide variant.
Coding change: c.4294A>G on transcript NM_001378418.1 (MANE Select); coding-DNA position 4294, A replaced by G.
Protein change: p.Arg1432Gly; replaces arginine 1432 with glycine.
Molecular consequence: missense variant.
Genome position (GRCh38, 1-based): chr22:42,211,012, T>C on the plus strand (A>G on the coding strand, the complement: TCF20 is on the minus strand). VCF-style: chr22-42211012-T-C. GRCh37 (hg19) VCF-style: chr22-42607018-T-C.
Other names: c.4294A>G (NM_005650.1); c.4294A>G, p.Arg1432Gly (NM_005650.4, NM_181492.3); short protein forms R1432G.
Identifiers: ClinVar variation 2075520 (VCV002075520.12), dbSNP rs779029341, ClinGen allele CA10266668.

ClinVar aggregate classification (germline): Benign/Likely benign. Review status: criteria provided, multiple submitters, no conflicts (2 of 4 stars). 3 submissions from 3 submitters: Benign (1); Likely benign (2). Last evaluated 2025-08-21.

Conditions:
Inborn genetic diseases. Identifiers: MedGen C0950123, MeSH D030342.

Allele frequency attached by ClinVar (database versions not stated): TOPMed 0.00005.
gnomAD v4.1: 35 of 1,614,026 alleles (0.0022%); highest among the groups gnomAD compares: Admixed American, 0.035%; no homozygotes.

Submissions (3):

Ambry Genetics
Classification: Likely benign for Inborn genetic diseases. Last evaluated: 2025-08-21. Review status: criteria provided, single submitter. Criteria: Ambry Variant Classification Scheme 2023. Collection method: clinical testing. Allele origin: germline.

Labcorp Genetics (formerly Invitae), Labcorp
Classification: Benign. Last evaluated: 2025-07-15. Review status: criteria provided, single submitter. Criteria: Invitae Variant Classification Sherloc (09022015). Collection method: clinical testing. Allele origin: germline.

CeGaT Center for Human Genetics Tuebingen
Classification: Likely benign. Last evaluated: 2025-04-01. Review status: criteria provided, single submitter. Criteria: CeGaT Center For Human Genetics Tuebingen Variant Classification Criteria Version 2. Collection method: clinical testing. Allele origin: germline. Affected: yes. Observed: 1 variant allele.
Comment: TCF20: BP4, BS1